The following is an entry in ClinVar:

ClinVar aggregate classification (germline): Likely benign (1 of 4 stars; one submission).

Allele frequency attached by ClinVar (database versions not stated): gnomAD below 0.00001 and 0.00001.
gnomAD v4.1: 1 of 1,614,092 alleles (0.000062%); highest among the groups gnomAD compares: South Asian, 0.0011%; no homozygotes.

Submission:

GeneDx
Classification: Likely benign. Last evaluated: 2016-05-27. Review status: criteria provided, single submitter. Criteria: GeneDx Variant Classification (06012015). Collection method: clinical testing. Allele origin: germline. Affected: yes.
Comment: This variant is considered likely benign or benign based on one or more of the following criteria: it is a conservative change, it occurs at a poorly conserved position in the protein, it is predicted to be benign by multiple in silico algorithms, and/or has population frequency not consistent with disease.

NM_000238.4(KCNH2):c.1419C>T (p.Thr473=)

Gene: KCNH2 (potassium voltage-gated channel subfamily H member 2; minus strand). Cytogenetic location: 7q36.1.
Variant type: single nucleotide variant.
Coding change: c.1419C>T on transcript NM_000238.4 (MANE Select); coding-DNA position 1419, C replaced by T.
Protein change: p.Thr473=; no amino-acid change (threonine 473 retained).
Molecular consequence: synonymous variant. On other transcripts: non-coding transcript variant (2).
Genome position (GRCh38, 1-based): chr7:150,952,563, G>A on the plus strand (C>T on the coding strand, the complement: KCNH2 is on the minus strand). VCF-style: chr7-150952563-G-A. GRCh37 (hg19) VCF-style: chr7-150649651-G-A.
Other names: c.399C>T, p.Thr133= (NM_001204798.2, NM_172057.3); c.1131C>T, p.Thr377= (NM_001406753.1, NM_001406756.1); c.1242C>T, p.Thr414= (NM_001406755.1); c.1119C>T, p.Thr373= (NM_001406757.1); c.1419C>T, p.Thr473= (NM_172056.3).
Identifiers: ClinVar variation 386607 (VCV000386607.3), dbSNP rs1057522546, ClinGen allele CA16605080.